The following is an entry in ClinVar:

NM_015311.3(OBSL1):c.921delinsCC (p.Tyr308fs)

Gene: OBSL1 (obscurin like cytoskeletal adaptor 1; minus strand). Cytogenetic location: 2q35.
Variant type: Indel.
Coding change: c.921delinsCC on transcript NM_015311.3 (MANE Select); coding-DNA position 921, T replaced by CC.
Protein change: p.Tyr308fs; shifts the reading frame from tyrosine 308.
Molecular consequence: frameshift variant.
Genome position (GRCh38, 1-based): chr2:219,570,312, A replaced by GG on the plus strand (T replaced by CC on the coding strand, the reverse complement: OBSL1 is on the minus strand). VCF-style: chr2-219570312-A-GG. GRCh37 (hg19) VCF-style: chr2-220435034-A-GG.
Other names: c.921delinsCC, p.Tyr308fs (NM_001173408.2, NM_001173431.2); short protein forms Y308fs.
Identifiers: ClinVar variation 1723324 (VCV001723324.1), dbSNP rs2469091008, ClinGen allele CA2580065849.

ClinVar aggregate classification (germline): Likely pathogenic (1 of 4 stars; one submission).

Conditions:
3M syndrome 2. Also called: 3-M Syndrome, OBSL1-Related; THREE M SYNDROME 2. Identifiers: Orphanet 2616, MedGen C2752041, MONDO:0013039, OMIM 612921.

Submission:

Women's Health and Genetics/Laboratory Corporation of America, LabCorp
Classification: Likely pathogenic for 3M syndrome 2. Last evaluated: 2022-10-15. Review status: criteria provided, single submitter. Criteria: LabCorp Variant Classification Summary - May 2015. Collection method: clinical testing. Allele origin: germline.
Comment: Variant summary: OBSL1 c.921delinsCC (p.Tyr308LeufsX47) results in a premature termination codon, predicted to cause a truncation of the encoded protein or absence of the protein due to nonsense mediated decay, which are commonly known mechanisms for disease. Truncations downstream of this position have been classified as pathogenic by our laboratory. The variant was absent in 240848 control chromosomes (gnomAD). To our knowledge, no occurrence of c.921delinsCC in individuals affected with Three M Syndrome 2 and no experimental evidence demonstrating its impact on protein function have been reported. No clinical diagnostic laboratories have submitted clinical-significance assessments for this variant to ClinVar after 2014. Based on the evidence outlined above, the variant was classified as likely pathogenic.